The following is an entry in ClinVar:

ClinVar aggregate classification (germline): Uncertain significance. Review status: criteria provided, multiple submitters, no conflicts (2 of 4 stars). 3 submissions from 3 submitters: Uncertain significance (3). Last evaluated 2022-08-17.

Conditions:
Prolidase deficiency. Identifiers: Orphanet 742, MedGen C0268532, MONDO:0008221, OMIM 170100.

Allele frequency attached by ClinVar (database versions not stated): gnomAD 0.00014 and 0.00015; TOPMed 0.00015; gnomAD exomes 0.00019; 1000 Genomes Project 0.00020; 1000 Genomes Project 30x 0.00031; ExAC 0.00040.
gnomAD v4.1: 167 of 1,587,020 alleles (0.011%); highest among the groups gnomAD compares: Admixed American, 0.072%; no homozygotes.

Submissions (3):

Labcorp Genetics (formerly Invitae), Labcorp
Classification: Uncertain significance. Last evaluated: 2022-08-17. Review status: criteria provided, single submitter. Criteria: Invitae Variant Classification Sherloc (09022015). Collection method: clinical testing. Allele origin: germline.
Comment: This sequence change replaces arginine, which is basic and polar, with histidine, which is basic and polar, at codon 237 of the PEPD protein (p.Arg237His). This variant is present in population databases (rs577079343, gnomAD 0.08%). This variant has not been reported in the literature in individuals affected with PEPD-related conditions. ClinVar contains an entry for this variant (Variation ID: 328809). Algorithms developed to predict the effect of missense changes on protein structure and function (SIFT, PolyPhen-2, Align-GVGD) all suggest that this variant is likely to be disruptive. In summary, the available evidence is currently insufficient to determine the role of this variant in disease. Therefore, it has been classified as a Variant of Uncertain Significance.

Illumina Laboratory Services, Illumina
Classification: Uncertain significance for Prolidase deficiency. Last evaluated: 2018-01-12. Review status: criteria provided, single submitter. Criteria: ICSL Variant Classification Criteria 13 December 2019. Collection method: clinical testing. Allele origin: germline.

Breakthrough Genomics
Classification: Uncertain significance. Review status: criteria provided, single submitter. Criteria: ACMG Guidelines, 2015. Collection method: not provided. Allele origin: germline. Inheritance: Autosomal dominant inheritance. Affected: yes.

NM_000285.4(PEPD):c.710G>A (p.Arg237His)

Gene: PEPD (peptidase D; minus strand). Cytogenetic location: 19q13.11.
Variant type: single nucleotide variant.
Coding change: c.710G>A on transcript NM_000285.4 (MANE Select); coding-DNA position 710, G replaced by A.
Protein change: p.Arg237His; replaces arginine 237 with histidine.
Molecular consequence: missense variant.
Genome position (GRCh38, 1-based): chr19:33,413,605, C>T on the plus strand (G>A on the coding strand, the complement: PEPD is on the minus strand). VCF-style: chr19-33413605-C-T. GRCh37 (hg19) VCF-style: chr19-33904511-C-T.
Other names: c.587G>A, p.Arg196His (NM_001166056.2); c.518G>A, p.Arg173His (NM_001166057.2); short protein forms R237H, R173H, R196H.
Identifiers: ClinVar variation 328809 (VCV000328809.8), dbSNP rs577079343, ClinGen allele CA9364177.